The following is an entry in ClinVar:

NM_005628.3(SLC1A5):c.1254-10T>C

Gene: SLC1A5 (solute carrier family 1 member 5; minus strand). Cytogenetic location: 19q13.32.
Variant type: single nucleotide variant.
Coding change: c.1254-10T>C on transcript NM_005628.3 (MANE Select); 10 bases into the intron before coding-DNA position 1254, T replaced by C.
Molecular consequence: intron variant.
Genome position (GRCh38, 1-based): chr19:46,777,119, A>G on the plus strand (T>C on the coding strand, the complement: SLC1A5 is on the minus strand). VCF-style: chr19-46777119-A-G. GRCh37 (hg19) VCF-style: chr19-47280376-A-G.
Other names: c.570-10T>C (NM_001145144.2); c.648-10T>C (NM_001145145.2).
Identifiers: ClinVar variation 3043445 (VCV003043445.2), dbSNP rs56363216, ClinGen allele CA9532453.
Genomic context (GRCh38, chr19:46,777,119, plus strand): 5'-CCTCCAGCAGGGATGCCCGCTGCCCCCACGCTGGACGCTGTGGCCGTGACCCTGAGGGAG[A>G]AGGTGGGAGGTTAGGCAGATGCCTGTCTTGTGGGAGAAGATGGGGGTCAACAGGGGTCCG-3'

ClinVar aggregate classification (germline): Benign (0 of 4 stars; one submission).

Conditions:
SLC1A5-related disorder. Also called: SLC1A5-related condition.

Allele frequency attached by ClinVar (database versions not stated): TOPMed 0.00090; ESP Exome Variant Server 0.00100; gnomAD 0.00117; 1000 Genomes Project 0.00140; 1000 Genomes Project 30x 0.00156; gnomAD exomes 0.00194; ExAC 0.00233.
gnomAD v4.1: 2,983 of 1,612,906 alleles (0.18%); highest among the groups gnomAD compares: South Asian, 1.1%; 19 homozygotes.

Submission:

PreventionGenetics, part of Exact Sciences
Classification: Benign for SLC1A5-related condition. Last evaluated: 2019-06-26. Review status: no assertion criteria provided. Collection method: clinical testing. Allele origin: germline.
Comment: This variant is classified as benign based on ACMG/AMP sequence variant interpretation guidelines (Richards et al. 2015 PMID: 25741868, with internal and published modifications).